The following is an entry in ClinVar:

ClinVar aggregate classification (germline): Likely pathogenic (0 of 4 stars; one submission).

Conditions:
COL11A1-related disorder. Also called: COL11A1-related condition; COL11A1-related disorders.

Submission:

PreventionGenetics, part of Exact Sciences
Classification: Likely pathogenic for COL11A1-related condition. Last evaluated: 2024-03-04. Review status: no assertion criteria provided. Collection method: clinical testing. Allele origin: germline.
Comment: The COL11A1 c.3062G>A variant is predicted to result in the amino acid substitution p.Gly1021Glu. To our knowledge, this variant has not been reported in the literature or in a large population database, indicating this variant is rare. This variant affects a Gly residue of the conserved Gly-Xaa-Yaa triple helical domain (amino acid residues 529-1542), where substitutions of glycine are usually pathogenic (Richards et al. 2010. PubMed ID: 20513134). This variant is interpreted as likely pathogenic.

NM_001854.4(COL11A1):c.3062G>A (p.Gly1021Glu)

Gene: COL11A1 (collagen type XI alpha 1 chain; minus strand). Cytogenetic location: 1p21.1.
Variant type: single nucleotide variant.
Coding change: c.3062G>A on transcript NM_001854.4 (MANE Select); coding-DNA position 3062, G replaced by A.
Protein change: p.Gly1021Glu; replaces glycine 1021 with glutamic acid.
Molecular consequence: missense variant. On other transcripts: non-coding transcript variant (1).
Genome position (GRCh38, 1-based): chr1:102,962,228, C>T on the plus strand (G>A on the coding strand, the complement: COL11A1 is on the minus strand). VCF-style: chr1-102962228-C-T. GRCh37 (hg19) VCF-style: chr1-103427784-C-T.
Other names: c.2945G>A, p.Gly982Glu (NM_001190709.2); c.3098G>A, p.Gly1033Glu (NM_080629.3); c.2714G>A, p.Gly905Glu (NM_080630.4); short protein forms G1021E, G1033E, G905E, G982E.
Identifiers: ClinVar variation 3350229 (VCV003350229.1).